The following is an entry in ClinVar:

NM_014974.3(DIP2C):c.2594C>T (p.Ala865Val)

Gene: DIP2C (DIP2 acetate--CoA ligase C (putative); minus strand). Cytogenetic location: 10p15.3.
Variant type: single nucleotide variant.
Coding change: c.2594C>T on transcript NM_014974.3 (MANE Select); coding-DNA position 2594, C replaced by T.
Protein change: p.Ala865Val; replaces alanine 865 with valine.
Molecular consequence: missense variant.
Genome position (GRCh38, 1-based): chr10:362,690, G>A on the plus strand (C>T on the coding strand, the complement: DIP2C is on the minus strand). VCF-style: chr10-362690-G-A. GRCh37 (hg19) VCF-style: chr10-408630-G-A.
Other names: short protein forms A865V.
Identifiers: ClinVar variation 2703988 (VCV002703988.3), dbSNP rs1959679345, ClinGen allele CA375832991.
Genomic context (GRCh38, chr10:362,690, plus strand): 5'-AGGGTGTTTGCTGGCACCAAGGCCAGGCAATAAACTCCAACTTGATGTATACTGTCAATC[G>A]CCTAGAAAGTTAATAAAGAGGAAATCATGTTATAAGAGGAAGTATAAACAGTACGTATTT-3'
Protein context (NP_055789.1, residues 855-875): SFQWMSRVLQ[Ala865Val]IDSIHQVGVY

ClinVar aggregate classification (germline): Uncertain significance (1 of 4 stars; one submission).

Allele frequency attached by ClinVar (database versions not stated): TOPMed below 0.00001.

Submission:

Labcorp Genetics (formerly Invitae), Labcorp
Classification: Uncertain significance. Last evaluated: 2024-10-25. Review status: criteria provided, single submitter. Criteria: Invitae Variant Classification Sherloc (09022015). Collection method: clinical testing. Allele origin: germline.
Comment: This sequence change replaces alanine, which is neutral and non-polar, with valine, which is neutral and non-polar, at codon 865 of the DIP2C protein (p.Ala865Val). This variant is not present in population databases (gnomAD no frequency). This variant has not been reported in the literature in individuals affected with DIP2C-related conditions. An algorithm developed to predict the effect of missense changes on protein structure and function (PolyPhen-2) suggests that this variant is likely to be disruptive. In summary, the available evidence is currently insufficient to determine the role of this variant in disease. Therefore, it has been classified as a Variant of Uncertain Significance.